The following is an entry in ClinVar:

ClinVar aggregate classification (germline): Uncertain significance (1 of 4 stars; one submission).

Conditions:
CDK13-related disorder. Also called: CDK13-related condition. Identifiers: MedGen C5816700.

Submission:

PreventionGenetics, part of Exact Sciences
Classification: Uncertain significance for CDK13-related condition. Last evaluated: 2023-06-08. Review status: criteria provided, single submitter. Criteria: ACMG Guidelines, 2015. Collection method: clinical testing. Allele origin: germline.
Comment: The CDK13 c.18C>G variant is predicted to result in the amino acid substitution p.Asp6Glu. To our knowledge, this variant has not been reported in the literature or in a large population database, indicating this variant is rare. At this time, the clinical significance of this variant is uncertain due to the absence of conclusive functional and genetic evidence.

NM_003718.5(CDK13):c.18C>G (p.Asp6Glu)

Gene: CDK13 (cyclin dependent kinase 13; plus strand). Cytogenetic location: 7p14.1.
Variant type: single nucleotide variant.
Coding change: c.18C>G on transcript NM_003718.5 (MANE Select); coding-DNA position 18, C replaced by G.
Protein change: p.Asp6Glu; replaces aspartic acid 6 with glutamic acid.
Molecular consequence: missense variant.
Genome position (GRCh38, 1-based): chr7:39,950,659, C>G. VCF-style: chr7-39950659-C-G. GRCh37 (hg19) VCF-style: chr7-39990258-C-G.
Other names: c.18C>G, p.Asp6Glu (NM_031267.4); short protein forms D6E.
Identifiers: ClinVar variation 2632389 (VCV002632389.1), dbSNP rs2483665915, ClinGen allele CA367308214.